The following is an entry in ClinVar:

NM_002500.5(NEUROD1):c.993C>A (p.Asp331Glu)

Gene: NEUROD1 (neuronal differentiation 1; minus strand). Cytogenetic location: 2q31.3.
Variant type: single nucleotide variant.
Coding change: c.993C>A on transcript NM_002500.5 (MANE Select); coding-DNA position 993, C replaced by A.
Protein change: p.Asp331Glu; replaces aspartic acid 331 with glutamic acid.
Molecular consequence: missense variant.
Genome position (GRCh38, 1-based): chr2:181,677,868, G>T on the plus strand (C>A on the coding strand, the complement: NEUROD1 is on the minus strand). VCF-style: chr2-181677868-G-T. GRCh37 (hg19) VCF-style: chr2-182542595-G-T.
Other names: short protein forms D331E.
Identifiers: ClinVar variation 3027519 (VCV003027519.3), dbSNP rs764112638, ClinGen allele CA2011021.

ClinVar aggregate classification (germline): Uncertain significance. Review status: criteria provided, multiple submitters, no conflicts (2 of 4 stars). 2 submissions from 2 submitters: Uncertain significance (2). Last evaluated 2024-03-07.

Conditions:
Retinal dystrophy. Also called: Inherited retinal dystrophy. Identifiers: Orphanet 71862, MedGen C0854723, MeSH D058499, MONDO:0019118, HP:0000556.

Allele frequency attached by ClinVar (database versions not stated): ExAC 0.00001.
gnomAD v4.1: 11 of 1,614,172 alleles (0.00068%); highest among the groups gnomAD compares: East Asian, 0.022%; no homozygotes.

Submissions (2):

Labcorp Genetics (formerly Invitae), Labcorp
Classification: Uncertain significance. Last evaluated: 2024-03-07. Review status: criteria provided, single submitter. Criteria: Invitae Variant Classification Sherloc (09022015). Collection method: clinical testing. Allele origin: germline.
Comment: This sequence change replaces aspartic acid, which is acidic and polar, with glutamic acid, which is acidic and polar, at codon 331 of the NEUROD1 protein (p.Asp331Glu). This variant is present in population databases (rs764112638, gnomAD 0.006%). This variant has not been reported in the literature in individuals affected with NEUROD1-related conditions. Advanced modeling of protein sequence and biophysical properties (such as structural, functional, and spatial information, amino acid conservation, physicochemical variation, residue mobility, and thermodynamic stability) performed at Invitae indicates that this missense variant is not expected to disrupt NEUROD1 protein function with a negative predictive value of 80%. In summary, the available evidence is currently insufficient to determine the role of this variant in disease. Therefore, it has been classified as a Variant of Uncertain Significance.

Dept Of Ophthalmology, Nagoya University
Classification: Uncertain significance for Retinal dystrophy. Last evaluated: 2023-10-01. Review status: criteria provided, single submitter. Criteria: Submitter's publication. Collection method: research. Allele origin: germline. Affected: yes.